The following is an entry in ClinVar:

NM_000059.4(BRCA2):c.9968C>T (p.Thr3323Ile)

Gene: BRCA2 (BRCA2 DNA repair associated; plus strand). Cytogenetic location: 13q13.1.
Variant type: single nucleotide variant.
Coding change: c.9968C>T on transcript NM_000059.4 (MANE Select); coding-DNA position 9968, C replaced by T.
Protein change: p.Thr3323Ile; replaces threonine 3323 with isoleucine.
Molecular consequence: missense variant.
Genome position (GRCh38, 1-based): chr13:32,398,481, C>T. VCF-style: chr13-32398481-C-T. GRCh37 (hg19) VCF-style: chr13-32972618-C-T.
Other names: short protein forms T3323I.
Identifiers: ClinVar variation 1022817 (VCV001022817.9), dbSNP rs2073053759, ClinGen allele CA387767437.
Genomic context (GRCh38, chr13:32,398,481, plus strand): 5'-GTTGTGGCACCAAATACGAAACACCCATAAAGAAAAAAGAACTGAATTCTCCTCAGATGA[C>T]TCCATTTAAAAAATTCAATGAAATTTCTCTTTTGGAAAGTAATTCAATAGCTGACGAAGA-3'
Protein context (NP_000050.3, residues 3313-3333): KKKELNSPQM[Thr3323Ile]PFKKFNEISL

ClinVar aggregate classification (germline): Uncertain significance (1 of 4 stars; one submission).

Conditions:
Hereditary breast ovarian cancer syndrome. Also called: Breast and ovarian cancer; Hereditary breast and ovarian cancer syndrome (HBOC); Hereditary breast and ovarian cancer; Hereditary breast and/or ovarian cancer syndrome; BRCA1- and BRCA2-Associated Hereditary Breast and Ovarian Cancer; Hereditary breast and ovarian cancer syndrome. Identifiers: Orphanet 145, MedGen C0677776, MeSH D061325, MONDO:0003582. Disease mechanism: loss of function.

Submission:

Labcorp Genetics (formerly Invitae), Labcorp
Classification: Uncertain significance for Hereditary breast ovarian cancer syndrome. Last evaluated: 2020-08-21. Review status: criteria provided, single submitter. Criteria: Invitae Variant Classification Sherloc (09022015). Collection method: clinical testing. Allele origin: germline.
Comment: In summary, the available evidence is currently insufficient to determine the role of this variant in disease. Therefore, it has been classified as a Variant of Uncertain Significance. Advanced modeling of protein sequence and biophysical properties (such as structural, functional, and spatial information, amino acid conservation, physicochemical variation, residue mobility, and thermodynamic stability) performed at Invitae indicates that this missense variant is not expected to disrupt BRCA2 protein function. This variant has not been reported in the literature in individuals with BRCA2-related conditions. This variant is not present in population databases (ExAC no frequency). This sequence change replaces threonine with isoleucine at codon 3323 of the BRCA2 protein (p.Thr3323Ile). The threonine residue is highly conserved and there is a moderate physicochemical difference between threonine and isoleucine.